The following is an entry in ClinVar:

ClinVar aggregate classification (germline): Uncertain significance. Review status: criteria provided, multiple submitters, no conflicts (2 of 4 stars). 2 submissions from 2 submitters: Uncertain significance (2). Last evaluated 2025-11-09.

Conditions:
Intellectual developmental disorder, X-linked 1. Also called: Atkin Flaitz Patil Smith syndrome; MENTAL RETARDATION, X-LINKED 18; MENTAL RETARDATION, X-LINKED 78; Intellectual disability, X-linked 1. Identifiers: Orphanet 777, MedGen C2931498, MONDO:0010656, OMIM 309530.

Submissions (2):

Labcorp Genetics (formerly Invitae), Labcorp
Classification: Uncertain significance for Intellectual developmental disorder, X-linked 1. Last evaluated: 2025-11-09. Review status: criteria provided, single submitter. Criteria: Invitae Variant Classification Sherloc (09022015). Collection method: clinical testing. Allele origin: germline.
Comment: This sequence change replaces glutamine, which is neutral and polar, with proline, which is neutral and non-polar, at codon 1376 of the IQSEC2 protein (p.Gln1376Pro). This variant is not present in population databases (gnomAD no frequency). This variant has not been reported in the literature in individuals affected with IQSEC2-related conditions. ClinVar contains an entry for this variant (Variation ID: 2576752). Invitae Evidence Modeling of protein sequence and biophysical properties (such as structural, functional, and spatial information, amino acid conservation, physicochemical variation, residue mobility, and thermodynamic stability) indicates that this missense variant is not expected to disrupt IQSEC2 protein function with a negative predictive value of 95%. In summary, the available evidence is currently insufficient to determine the role of this variant in disease. Therefore, it has been classified as a Variant of Uncertain Significance.

GeneDx
Classification: Uncertain significance. Last evaluated: 2023-08-16. Review status: criteria provided, single submitter. Criteria: GeneDx Variant Classification Process June 2021. Collection method: clinical testing. Allele origin: germline. Affected: yes.
Comment: Not observed at significant frequency in large population cohorts (gnomAD); In silico analysis supports that this missense variant does not alter protein structure/function; Has not been previously published as pathogenic or benign to our knowledge

NM_001111125.3(IQSEC2):c.4127A>C (p.Gln1376Pro)

Gene: IQSEC2 (IQ motif and Sec7 domain ArfGEF 2; minus strand). Cytogenetic location: Xp11.22.
Variant type: single nucleotide variant.
Coding change: c.4127A>C on transcript NM_001111125.3 (MANE Select); coding-DNA position 4127, A replaced by C.
Protein change: p.Gln1376Pro; replaces glutamine 1376 with proline.
Molecular consequence: missense variant. On other transcripts: 3 prime UTR variant (2).
Genome position (GRCh38, 1-based): chrX:53,234,559, T>G on the plus strand (A>C on the coding strand, the complement: IQSEC2 is on the minus strand). VCF-style: chrX-53234559-T-G. GRCh37 (hg19) VCF-style: chrX-53263741-T-G.
Other names: c.*612A>C (NM_001410736.1, NM_015075.2); short protein forms Q1376P.
Identifiers: ClinVar variation 2576752 (VCV002576752.4), dbSNP rs1487774294, ClinGen allele CA413139425.
Genomic context (GRCh38, chrX:53,234,559, plus strand): 5'-ATCTGTGGGTGGTGGCTGAAGATGAAGTGCTTAGGGCCCTGTTTGTGGGCTGGAGGGTGC[T>G]GGGGGGCAGGACTGTACAGGGGCAGTGGGGATGTGGGCTGGTGCAGGGGGTGGCGGCCAT-3'
Protein context (NP_001104595.1, residues 1366-1386): SPLPLYSPAP[Gln1376Pro]HPPAHKQGPK